The following is an entry in ClinVar:

NM_004006.3(DMD):c.3604-16_3604-15del

Gene: DMD (dystrophin; minus strand). Cytogenetic location: Xp21.1.
Variant type: Deletion.
Coding change: c.3604-16_3604-15del on transcript NM_004006.3 (MANE Select); 16 bases into the intron before coding-DNA position 3604 through 15 bases into the intron before coding-DNA position 3604, 2 bases deleted (AT; older notation c.3604-16_3604-15delAT).
Molecular consequence: intron variant.
Genome position (GRCh38, 1-based): chrX:32,448,653-32,448,654, AT deleted on the plus strand (AT on the coding strand, the reverse complement: DMD is on the minus strand). VCF-style (leftmost placement, unchanged base first): chrX-32448652-AAT-A. GRCh37 (hg19) VCF-style: chrX-32466769-AAT-A.
Other names: c.3580-16_3580-15del (NM_000109.4); c.3592-16_3592-15del (NM_004009.3); c.3235-16_3235-15del (NM_004010.3).
Identifiers: ClinVar variation 2123534 (VCV002123534.4), dbSNP rs2524247311, ClinGen allele CA2580100656.

ClinVar aggregate classification (germline): Uncertain significance (1 of 4 stars; one submission).

Conditions:
Duchenne muscular dystrophy (DMD). Also called: MUSCULAR DYSTROPHY, PSEUDOHYPERTROPHIC PROGRESSIVE, DUCHENNE TYPE; Duchenne Muscular Dystrophy (DMD). Identifiers: Orphanet 98896, MedGen C0013264, MONDO:0010679, OMIM 310200.

Submission:

Labcorp Genetics (formerly Invitae), Labcorp
Classification: Uncertain significance for Duchenne muscular dystrophy. Last evaluated: 2022-04-09. Review status: criteria provided, single submitter. Criteria: Invitae Variant Classification Sherloc (09022015). Collection method: clinical testing. Allele origin: germline.
Comment: Algorithms developed to predict the effect of sequence changes on RNA splicing suggest that this variant may disrupt the consensus splice site. This variant has not been reported in the literature in individuals affected with DMD-related conditions. This variant is not present in population databases (gnomAD no frequency). This sequence change falls in intron 26 of the DMD gene. It does not directly change the encoded amino acid sequence of the DMD protein. In summary, the available evidence is currently insufficient to determine the role of this variant in disease. Therefore, it has been classified as a Variant of Uncertain Significance.